The following is an entry in ClinVar:

ClinVar aggregate classification (germline): Likely pathogenic (1 of 4 stars; one submission).

Conditions:
Hereditary factor IX deficiency disease (HEMB). Also called: F9 DEFICIENCY; FACTOR IX DEFICIENCY; PLASMA THROMBOPLASTIN COMPONENT DEFICIENCY; Hemophilia B; Christmas Disease. Identifiers: Orphanet 98879, MedGen C0008533, MeSH D002836, MONDO:0010604, OMIM 306900.

Submission:

Women's Health and Genetics/Laboratory Corporation of America, LabCorp
Classification: Likely pathogenic for Hereditary factor IX deficiency disease. Last evaluated: 2023-12-13. Review status: criteria provided, single submitter. Criteria: LabCorp Variant Classification Summary - May 2015. Collection method: clinical testing. Allele origin: germline.
Comment: Variant summary: F9 c.1004G>T (p.Cys335Phe) results in a non-conservative amino acid change located in the Serine proteases, trypsin domain profile (IPR001254) of the encoded protein sequence. Five of five in-silico tools predict a damaging effect of the variant on protein function. The variant was absent in 183414 control chromosomes. c.1004G>T has been reported in the literature in individuals affected with Factor IX Deficiency (Hemophilia B) (Dou_2023, Driscoll_1996, Herbert_2004, Rowley_1995). These data indicate that the variant is likely to be associated with disease. To our knowledge, no experimental evidence demonstrating an impact on protein function has been reported. The following publications have been ascertained in the context of this evaluation (PMID: 36163649, 8602635, 15613048, 8825645). No submitters have cited clinical-significance assessments for this variant to ClinVar after 2014. Based on the evidence outlined above, the variant was classified as likely pathogenic.

Literature cited by the submitters: PubMed 36163649; PubMed 8602635; PubMed 15613048; PubMed 8825645.

NM_000133.4(F9):c.1004G>T (p.Cys335Phe)

Gene: F9 (coagulation factor IX; plus strand). Cytogenetic location: Xq27.1.
Variant type: single nucleotide variant.
Coding change: c.1004G>T on transcript NM_000133.4 (MANE Select); coding-DNA position 1004, G replaced by T.
Protein change: p.Cys335Phe; replaces cysteine 335 with phenylalanine.
Molecular consequence: missense variant.
Genome position (GRCh38, 1-based): chrX:139,561,689, G>T. VCF-style: chrX-139561689-G-T. GRCh37 (hg19) VCF-style: chrX-138643848-G-T.
Other names: c.890G>T, p.Cys297Phe (NM_001313913.2); short protein forms C297F, C335F.
Identifiers: ClinVar variation 2691657 (VCV002691657.1), dbSNP rs2520844630, ClinGen allele CA414445320.